The following is an entry in ClinVar:

ClinVar aggregate classification (germline): Uncertain significance (1 of 4 stars; one submission).

Conditions:
Malignant hyperthermia, susceptibility to, 1 (MHS1). Also called: RYR1-Related Malignant Hyperthermia Susceptibility; Malignant hyperthermia suceptibility 1; Anesthesia related hyperthermia; Malignant hyperpyrexia; Fulminating hyperpyrexia; Pharmacogenic myopathy. Identifiers: Orphanet 423, MedGen C2930980, MONDO:0007783, OMIM 145600.

gnomAD v4.1: 4 of 1,601,634 alleles (0.00025%); highest among the groups gnomAD compares: Non-Finnish European, 0.00034%; no homozygotes.

Submission:

Color Diagnostics, LLC DBA Color Health
Classification: Uncertain significance for Malignant hyperthermia, susceptibility to, 1. Last evaluated: 2025-07-08. Review status: criteria provided, single submitter. Criteria: ACMG Guidelines, 2015. Collection method: clinical testing. Allele origin: germline.
Comment: This missense variant replaces glutamine with arginine at codon 478 of the RYR1 protein. Computational prediction suggests that this variant may have deleterious impact on protein structure and function. To our knowledge, functional studies have not been reported for this variant. This variant has not been reported in individuals affected with RYR1-related disorders in the literature. This variant has not been identified in the general population by the Genome Aggregation Database (gnomAD). The available evidence is insufficient to determine the role of this variant in disease conclusively. Therefore, this variant is classified as a Variant of Uncertain Significance.

NM_000540.3(RYR1):c.1433A>G (p.Gln478Arg)

Gene: RYR1 (ryanodine receptor 1; plus strand). Cytogenetic location: 19q13.2.
Variant type: single nucleotide variant.
Coding change: c.1433A>G on transcript NM_000540.3 (MANE Select); coding-DNA position 1433, A replaced by G.
Protein change: p.Gln478Arg; replaces glutamine 478 with arginine.
Molecular consequence: missense variant.
Genome position (GRCh38, 1-based): chr19:38,453,007, A>G. VCF-style: chr19-38453007-A-G. GRCh37 (hg19) VCF-style: chr19-38943647-A-G.
Other names: c.1433A>G, p.Gln478Arg (NM_001042723.2); short protein forms Q478R.
Identifiers: ClinVar variation 4758510 (VCV004758510.1).